The following is an entry in ClinVar:

NM_003072.5(SMARCA4):c.1839C>T (p.Ser613=)

Gene: SMARCA4 (SWI/SNF related BAF chromatin remodeling complex subunit ATPase 4; plus strand). Cytogenetic location: 19p13.2.
Variant type: single nucleotide variant.
Coding change: c.1839C>T on transcript NM_003072.5 (MANE Select); coding-DNA position 1839, C replaced by T.
Protein change: p.Ser613=; no amino-acid change (serine 613 retained).
Molecular consequence: synonymous variant. On other transcripts: non-coding transcript variant (1).
Genome position (GRCh38, 1-based): chr19:11,003,055, C>T. VCF-style: chr19-11003055-C-T. GRCh37 (hg19) VCF-style: chr19-11113731-C-T.
Other names: c.1839C>T, p.Ser613= (NM_001128844.3, NM_001128845.2, NM_001128846.2 and 5 more transcripts).
Identifiers: ClinVar variation 480613 (VCV000480613.20), dbSNP rs752850198, ClinGen allele CA9203919.

ClinVar aggregate classification (germline): Benign/Likely benign. Review status: criteria provided, multiple submitters, no conflicts (2 of 4 stars). 4 submissions from 4 submitters: Benign (1); Likely benign (3). Last evaluated 2026-07-10.

Conditions:
Rhabdoid tumor predisposition syndrome 2 (RTPS2). Identifiers: Orphanet 231108, Orphanet 69077, MedGen C2750074, MONDO:0013224, OMIM 613325.
Hereditary cancer-predisposing syndrome. Also called: Tumor predisposition; Neoplastic Syndromes, Hereditary; Hereditary Cancer Syndrome; Hereditary neoplastic syndrome. Identifiers: Orphanet 140162, MedGen C0027672, MeSH D009386, MONDO:0015356.

Allele frequency attached by ClinVar (database versions not stated): gnomAD exomes 0.00001; gnomAD 0.00001; TOPMed 0.00002; ExAC 0.00002.
gnomAD v4.1: 6 of 1,613,916 alleles (0.00037%); highest among the groups gnomAD compares: Admixed American, 0.0067%; no homozygotes.

Submissions (4):

Myriad Genetics, Inc.
Classification: Benign for Rhabdoid tumor predisposition syndrome 2. Last evaluated: 2026-07-10. Review status: criteria provided, single submitter. Criteria: Myriad Autosomal Dominant, Autosomal Recessive and X-Linked Classification Criteria (2023). Collection method: clinical testing. Allele origin: unknown.
Comment: This variant is considered benign. This variant is a silent/synonymous amino acid change and it is not expected to impact splicing.

CeGaT Center for Human Genetics Tuebingen
Classification: Likely benign. Last evaluated: 2026-02-01. Review status: criteria provided, single submitter. Criteria: CeGaT Center For Human Genetics Tuebingen Variant Classification Criteria Version 2. Collection method: clinical testing. Allele origin: germline. Affected: yes. Observed: 1 variant allele.
Comment: SMARCA4: BP4, BP7

Labcorp Genetics (formerly Invitae), Labcorp
Classification: Likely benign for Rhabdoid tumor predisposition syndrome 2. Last evaluated: 2025-10-31. Review status: criteria provided, single submitter. Criteria: Invitae Variant Classification Sherloc (09022015). Collection method: clinical testing. Allele origin: germline.

Ambry Genetics
Classification: Likely benign for Hereditary cancer-predisposing syndrome. Last evaluated: 2016-03-04. Review status: criteria provided, single submitter. Criteria: Ambry Variant Classification Scheme 2023. Collection method: clinical testing. Allele origin: germline.